The following is an entry in ClinVar:

NM_001080467.3(MYO5B):c.3560T>G (p.Ile1187Arg)

Gene: MYO5B (myosin VB; minus strand). Cytogenetic location: 18q21.1.
Variant type: single nucleotide variant.
Coding change: c.3560T>G on transcript NM_001080467.3 (MANE Select); coding-DNA position 3560, T replaced by G.
Protein change: p.Ile1187Arg; replaces isoleucine 1187 with arginine.
Molecular consequence: missense variant.
Genome position (GRCh38, 1-based): chr18:49,872,210, A>C on the plus strand (T>G on the coding strand, the complement: MYO5B is on the minus strand). VCF-style: chr18-49872210-A-C. GRCh37 (hg19) VCF-style: chr18-47398580-A-C.
Other names: short protein forms I1187R.
Identifiers: ClinVar variation 2777350 (VCV002777350.3), dbSNP rs2511255689, ClinGen allele CA402428006.

ClinVar aggregate classification (germline): Uncertain significance (1 of 4 stars; one submission).

Submission:

Labcorp Genetics (formerly Invitae), Labcorp
Classification: Uncertain significance. Last evaluated: 2024-10-23. Review status: criteria provided, single submitter. Criteria: Invitae Variant Classification Sherloc (09022015). Collection method: clinical testing. Allele origin: germline.
Comment: This sequence change replaces isoleucine, which is neutral and non-polar, with arginine, which is basic and polar, at codon 1187 of the MYO5B protein (p.Ile1187Arg). This variant is not present in population databases (gnomAD no frequency). This variant has not been reported in the literature in individuals affected with MYO5B-related conditions. An algorithm developed to predict the effect of missense changes on protein structure and function (PolyPhen-2) suggests that this variant is likely to be tolerated. In summary, the available evidence is currently insufficient to determine the role of this variant in disease. Therefore, it has been classified as a Variant of Uncertain Significance.